The following is an entry in ClinVar:

NM_000455.5(STK11):c.290+11C>T

Gene: STK11 (serine/threonine kinase 11; plus strand). Cytogenetic location: 19p13.3.
Variant type: single nucleotide variant.
Coding change: c.290+11C>T on transcript NM_000455.5 (MANE Select); 11 bases into the intron after coding-DNA position 290, C replaced by T.
Molecular consequence: intron variant.
Genome position (GRCh38, 1-based): chr19:1,207,214, C>T. VCF-style: chr19-1207214-C-T. GRCh37 (hg19) VCF-style: chr19-1207213-C-T.
Identifiers: ClinVar variation 381232 (VCV000381232.8), dbSNP rs1057520983, ClinGen allele CA16608004.

ClinVar aggregate classification (germline): Likely benign. Review status: criteria provided, multiple submitters, no conflicts (2 of 4 stars). 2 submissions from 2 submitters: Likely benign (2). Last evaluated 2024-09-28.

Conditions:
Peutz-Jeghers syndrome (PJS). Also called: Peutz-Jeghers polyposis; Periorificial lentiginosis syndrome; POLYPOSIS, HAMARTOMATOUS INTESTINAL; POLYPS-AND-SPOTS SYNDROME. Identifiers: Orphanet 2869, MedGen C0031269, MeSH D010580, MONDO:0008280, OMIM 175200.

Allele frequency attached by ClinVar (database versions not stated): gnomAD exomes below 0.00001.
gnomAD v4.1: 4 of 1,591,660 alleles (0.00025%); highest among the groups gnomAD compares: Non-Finnish European, 0.00026%; no homozygotes.

Submissions (2):

Labcorp Genetics (formerly Invitae), Labcorp
Classification: Likely benign for Peutz-Jeghers syndrome. Last evaluated: 2024-09-28. Review status: criteria provided, single submitter. Criteria: Invitae Variant Classification Sherloc (09022015). Collection method: clinical testing. Allele origin: germline.

GeneDx
Classification: Likely benign. Last evaluated: 2015-10-22. Review status: criteria provided, single submitter. Criteria: GeneDx Variant Classification (06012015). Collection method: clinical testing. Allele origin: germline. Affected: yes.
Comment: This variant is considered likely benign or benign based on one or more of the following criteria: it is a conservative change, it occurs at a poorly conserved position in the protein, it is predicted to be benign by multiple in silico algorithms, and/or has population frequency not consistent with disease.